The following is an entry in ClinVar:

ClinVar aggregate classification (germline): Likely benign. Review status: reviewed by expert panel (3 of 4 stars). 10 submissions from 10 submitters: Likely benign (1). 9 of the submissions do not count toward it. Last evaluated 2017-06-29.

Conditions:
Hereditary cancer-predisposing syndrome. Also called: Neoplastic Syndromes, Hereditary; Hereditary Cancer Syndrome; Tumor predisposition; Hereditary neoplastic syndrome. Identifiers: Orphanet 140162, MedGen C0027672, MeSH D009386, MONDO:0015356.
Hereditary breast ovarian cancer syndrome. Also called: BRCA1- and BRCA2-Associated Hereditary Breast and Ovarian Cancer; Hereditary breast and ovarian cancer syndrome (HBOC); Hereditary breast and ovarian cancer syndrome; Hereditary breast and ovarian cancer; Hereditary breast and/or ovarian cancer syndrome; Breast and ovarian cancer. Identifiers: Orphanet 145, MedGen C0677776, MeSH D061325, MONDO:0003582. Disease mechanism: loss of function.
Breast-ovarian cancer, familial, susceptibility to, 1 (BROVCA1). Also called: OVARIAN CANCER, SUSCEPTIBILITY TO; BRCA1 Hereditary Breast and Ovarian Cancer. Identifiers: Orphanet 145, MedGen C2676676, MONDO:0011450, OMIM 604370. Disease mechanism: loss of function.

Allele frequency attached by ClinVar (database versions not stated): gnomAD exomes below 0.00001 and 0.00001; ExAC 0.00001.
gnomAD v4.1: 3 of 1,614,002 alleles (0.00019%); highest among the groups gnomAD compares: Middle Eastern, 0.033%; no homozygotes.

Submissions (10):

Evidence-based Network for the Interpretation of Germline Mutant Alleles (ENIGMA)
Classification: Likely benign for Breast-ovarian cancer, familial, susceptibility to, 1. Last evaluated: 2017-06-29. Review status: reviewed by expert panel. Criteria: ENIGMA BRCA1/2 Classification Criteria (2017-06-29). Collection method: curation. Allele origin: germline.
Comment: Synonymous substitution variant, with low bioinformatic likelihood to result in a splicing aberration (Splicing prior probability 0.02).

Labcorp Genetics (formerly Invitae), Labcorp
Classification: Benign for Hereditary breast ovarian cancer syndrome. Last evaluated: 2025-08-18. Review status: criteria provided, single submitter. Criteria: Invitae Variant Classification Sherloc (09022015). Collection method: clinical testing. Allele origin: germline. Not counted in ClinVar's aggregate classification.

CeGaT Center for Human Genetics Tuebingen
Classification: Likely benign. Last evaluated: 2025-06-01. Review status: criteria provided, single submitter. Criteria: CeGaT Center For Human Genetics Tuebingen Variant Classification Criteria Version 2. Collection method: clinical testing. Allele origin: germline. Affected: yes. Observed: 4 variant alleles. Not counted in ClinVar's aggregate classification.
Comment: BRCA1: BP4, BP7

Blueprint Genetics
Classification: Likely benign. Last evaluated: 2024-03-14. Review status: criteria provided, single submitter. Criteria: ACMG Guidelines, 2015. Collection method: clinical testing. Allele origin: germline. Not counted in ClinVar's aggregate classification.

Quest Diagnostics Nichols Institute San Juan Capistrano
Classification: Likely benign. Last evaluated: 2023-07-06. Review status: criteria provided, single submitter. Criteria: Quest Diagnostics criteria. Collection method: clinical testing. Allele origin: unknown. Not counted in ClinVar's aggregate classification.

Sema4
Classification: Likely benign for Hereditary cancer-predisposing syndrome. Last evaluated: 2021-12-08. Review status: criteria provided, single submitter. Criteria: Sema4 Curation Guidelines. Collection method: curation. Allele origin: germline. Not counted in ClinVar's aggregate classification.

Women's Health and Genetics/Laboratory Corporation of America, LabCorp
Classification: Likely benign. Last evaluated: 2019-08-21. Review status: criteria provided, single submitter. Criteria: LabCorp Variant Classification Summary - May 2015. Collection method: clinical testing. Allele origin: germline. Not counted in ClinVar's aggregate classification.

GeneDx
Classification: Likely benign. Last evaluated: 2019-06-28. Review status: criteria provided, single submitter. Criteria: GeneDx Variant Classification Process June 2021. Collection method: clinical testing. Allele origin: germline. Affected: yes. Not counted in ClinVar's aggregate classification.
Comment: This variant is associated with the following publications: (PMID: 16267036)

Color Diagnostics, LLC DBA Color Health
Classification: Likely benign for Hereditary cancer-predisposing syndrome. Last evaluated: 2017-02-06. Review status: criteria provided, single submitter. Criteria: ACMG Guidelines, 2015. Collection method: clinical testing. Allele origin: germline. Not counted in ClinVar's aggregate classification.

Ambry Genetics
Classification: Likely benign for Hereditary cancer-predisposing syndrome. Last evaluated: 2015-04-07. Review status: criteria provided, single submitter. Criteria: Ambry Variant Classification Scheme 2023. Collection method: clinical testing. Allele origin: germline. Not counted in ClinVar's aggregate classification.

NM_007294.4(BRCA1):c.2022T>G (p.Pro674=)

Gene: BRCA1 (BRCA1 DNA repair associated; minus strand). Cytogenetic location: 17q21.31.
Variant type: single nucleotide variant.
Coding change: c.2022T>G on transcript NM_007294.4 (MANE Select); coding-DNA position 2022, T replaced by G.
Protein change: p.Pro674=; no amino-acid change (proline 674 retained).
Molecular consequence: synonymous variant. On other transcripts: intron variant (137).
Genome position (GRCh38, 1-based): chr17:43,093,509, A>C on the plus strand (T>G on the coding strand, the complement: BRCA1 is on the minus strand). VCF-style: chr17-43093509-A-C. GRCh37 (hg19) VCF-style: chr17-41245526-A-C.
Other names: c.2019T>G, p.Pro673= (NM_001407860.1, NM_001407861.1, NM_001407587.1 and 22 more transcripts); c.1821T>G, p.Pro607= (NM_001407862.1); c.1899T>G, p.Pro633= (NM_001407863.1, NM_001407919.1, NM_001407937.1 and 19 more transcripts); c.1818T>G, p.Pro606= (NM_001407874.1, NM_001407875.1); c.1812T>G, p.Pro604= (NM_001407879.1, NM_001407881.1, NM_001407882.1 and 13 more transcripts); c.1809T>G, p.Pro603= (NM_001407894.1, NM_001407895.1, NM_001407896.1 and 9 more transcripts); c.1758T>G, p.Pro586= (NM_001407920.1, NM_001407921.1, NM_001407922.1 and 9 more transcripts); c.1755T>G, p.Pro585= (NM_001407930.1, NM_001407931.1, NM_001407932.1 and 2 more transcripts); and 40 more.
Identifiers: ClinVar variation 231336 (VCV000231336.59), dbSNP rs771519405, ClinGen allele CA057708.
Genomic context (GRCh38, chr17:43,093,509, plus strand): 5'-GCTGTCATGTCTTTTACTTGTCTGTTCATTTGGCTTGTTACTCTTCTTGGCTCCAGTTGC[A>C]GGTTCTTTACCTTCCATGAGTTGTAGGTTTCTGCTGTGCCTGACTGGCATTTGGTTGTAC-3'
Protein context (NP_009225.1, residues 664-684): RNLQLMEGKE[Pro674=]ATGAKKSNKP